The following is an entry in ClinVar:

NM_015991.4(C1QA):c.449G>A (p.Arg150Gln)

Gene: C1QA (complement C1q A chain; plus strand). Cytogenetic location: 1p36.12.
Variant type: single nucleotide variant.
Coding change: c.449G>A on transcript NM_015991.4 (MANE Select); coding-DNA position 449, G replaced by A.
Protein change: p.Arg150Gln; replaces arginine 150 with glutamine.
Molecular consequence: missense variant.
Genome position (GRCh38, 1-based): chr1:22,639,118, G>A. VCF-style: chr1-22639118-G-A. GRCh37 (hg19) VCF-style: chr1-22965611-G-A.
Other names: c.449G>A, p.Arg150Gln (NM_001347465.2, NM_001347466.2); c.449G>A (NM_015991.2); short protein forms R150Q.
Identifiers: ClinVar variation 1376587 (VCV001376587.4), dbSNP rs1261305713, ClinGen allele CA338929832.

ClinVar aggregate classification (germline): Uncertain significance. Review status: criteria provided, multiple submitters, no conflicts (2 of 4 stars). 2 submissions from 2 submitters: Uncertain significance (2). Last evaluated 2025-10-24.

Conditions:
Inborn genetic diseases. Identifiers: MedGen C0950123, MeSH D030342.

Allele frequency attached by ClinVar (database versions not stated): TOPMed below 0.00001; gnomAD 0.00001.
gnomAD v4.1: 3 of 1,614,132 alleles (0.00019%); highest among the groups gnomAD compares: African/African-American, 0.0027%; no homozygotes.

Submissions (2):

Ambry Genetics
Classification: Uncertain significance for Inborn genetic diseases. Last evaluated: 2025-10-24. Review status: criteria provided, single submitter. Criteria: Ambry Variant Classification Scheme 2023. Collection method: clinical testing. Allele origin: germline.

Labcorp Genetics (formerly Invitae), Labcorp
Classification: Uncertain significance. Last evaluated: 2021-08-20. Review status: criteria provided, single submitter. Criteria: Invitae Variant Classification Sherloc (09022015). Collection method: clinical testing. Allele origin: germline.
Comment: This sequence change replaces arginine with glutamine at codon 150 of the C1QA protein (p.Arg150Gln). The arginine residue is moderately conserved and there is a small physicochemical difference between arginine and glutamine. This variant is not present in population databases (ExAC no frequency). This variant has not been reported in the literature in individuals affected with C1QA-related conditions. Algorithms developed to predict the effect of missense changes on protein structure and function output the following: SIFT: "Tolerated"; PolyPhen-2: "Benign"; Align-GVGD: "Class C0". The glutamine amino acid residue is found in multiple mammalian species, which suggests that this missense change does not adversely affect protein function. In summary, the available evidence is currently insufficient to determine the role of this variant in disease. Therefore, it has been classified as a Variant of Uncertain Significance.